The following is an entry in ClinVar:

NM_020750.3(XPO5):c.2493C>T (p.Thr831=)

Genes: POLR1C (RNA polymerase I and III subunit C; plus strand), XPO5 (exportin 5; minus strand). Cytogenetic location: 6p21.1.
Variant type: single nucleotide variant.
Coding change: c.2493C>T on transcript NM_020750.3 (MANE Select); coding-DNA position 2493, C replaced by T.
Protein change: p.Thr831=; no amino-acid change (threonine 831 retained).
Molecular consequence: synonymous variant. On other transcripts: non-coding transcript variant (1), intron variant (1).
Genome position (GRCh38, 1-based): chr6:43,531,526, G>A on the plus strand (C>T on the coding strand, the complement: XPO5 is on the minus strand). VCF-style: chr6-43531526-G-A. GRCh37 (hg19) VCF-style: chr6-43499264-G-A.
Other names: c.922+10478G>A (NM_001363658.2).
Identifiers: ClinVar variation 2055540 (VCV002055540.4), dbSNP rs149690088, ClinGen allele CA3826123.

ClinVar aggregate classification (germline): Benign/Likely benign. Review status: criteria provided, multiple submitters, no conflicts (2 of 4 stars). 2 submissions from 2 submitters: Benign (1); Likely benign (1). Last evaluated 2025-06-12.

Conditions:
XPO5-related disorder. Also called: XPO5-related condition.

Allele frequency attached by ClinVar (database versions not stated): gnomAD exomes 0.00009; ExAC 0.00026; 1000 Genomes Project 0.00040; 1000 Genomes Project 30x 0.00047; gnomAD 0.00082; ESP Exome Variant Server 0.00050; TOPMed 0.00079.
gnomAD v4.1: 263 of 1,613,924 alleles (0.016%); highest among the groups gnomAD compares: African/African-American, 0.28%; 1 homozygote.

Submissions (2):

Labcorp Genetics (formerly Invitae), Labcorp
Classification: Benign. Last evaluated: 2025-06-12. Review status: criteria provided, single submitter. Criteria: Invitae Variant Classification Sherloc (09022015). Collection method: clinical testing. Allele origin: germline.

PreventionGenetics, part of Exact Sciences
Classification: Likely benign for XPO5-related condition. Last evaluated: 2024-10-18. Review status: criteria provided, single submitter. Criteria: ACMG Guidelines, 2015. Collection method: clinical testing. Allele origin: germline.
Comment: This variant is classified as likely benign based on ACMG/AMP sequence variant interpretation guidelines (Richards et al. 2015 PMID: 25741868, with internal and published modifications).